The following is an entry in ClinVar:

NM_000532.5(PCCB):c.1223_1231delinsCAGGA (p.Ile408fs)

Gene: PCCB (propionyl-CoA carboxylase subunit beta; plus strand). Cytogenetic location: 3q22.3.
Variant type: Indel.
Coding change: c.1223_1231delinsCAGGA on transcript NM_000532.5 (MANE Select); coding-DNA positions 1223 to 1231, TCATCCGGC replaced by CAGGA.
Protein change: p.Ile408fs; shifts the reading frame from isoleucine 408.
Molecular consequence: frameshift variant.
Genome position (GRCh38, 1-based): chr3:136,327,179-136,327,187, TCATCCGGC replaced by CAGGA. VCF-style: chr3-136327179-TCATCCGGC-CAGGA. GRCh37 (hg19) VCF-style: chr3-136046021-TCATCCGGC-CAGGA.
Other names: c.1283_1291delinsCAGGA, p.Ile428fs (NM_001178014.2); short protein forms I408fs, I428fs.
Identifiers: ClinVar variation 2501089 (VCV002501089.2), dbSNP rs2529972075, ClinGen allele CA2580615976.

ClinVar aggregate classification (germline): Pathogenic/Likely pathogenic. Review status: criteria provided, multiple submitters, no conflicts (2 of 4 stars). 2 submissions from 2 submitters: Pathogenic (1); Likely pathogenic (1). Last evaluated 2026-06-10.

Conditions:
Propionic acidemia (PROP). Also called: GLYCINEMIA, KETOTIC; HYPERGLYCINEMIA WITH KETOACIDOSIS AND LEUKOPENIA; KETOTIC HYPERGLYCINEMIA. Identifiers: Orphanet 35, MedGen C0268579, MONDO:0011628, OMIM 606054, HP:0003571.

Submissions (2):

Myriad Genetics, Inc.
Classification: Pathogenic for Propionic acidemia. Last evaluated: 2026-06-10. Review status: criteria provided, single submitter. Criteria: Myriad Autosomal Dominant, Autosomal Recessive and X-Linked Classification Criteria (2023). Collection method: clinical testing. Allele origin: unknown.
Comment: NM_000532.4(PCCB):c.1223_1231del9ins5(I408Tfs*34) is expected to be pathogenic in the context of PCCB-related propionic acidemia. This variant is predicted to lead to an abnormal or absent protein product due to the creation of a premature termination codon in PCCB, a gene where loss-of-function variants are known to be pathogenic. Please note: this variant was assessed in the context of healthy population screening.

Women's Health and Genetics/Laboratory Corporation of America, LabCorp
Classification: Likely pathogenic for Propionic acidemia. Last evaluated: 2023-03-15. Review status: criteria provided, single submitter. Criteria: LabCorp Variant Classification Summary - May 2015. Collection method: clinical testing. Allele origin: germline.
Comment: Variant summary: PCCB c.1223_1231delinsCAGGA (p.Ile408ThrfsX34) results in a premature termination codon, predicted to cause a truncation of the encoded protein or absence of the protein due to nonsense mediated decay, which are commonly known mechanisms for disease. Truncations downstream of this position have been classified as pathogenic by our laboratory. The variant was absent in 282414 control chromosomes (gnomAD). To our knowledge, no occurrence of c.1223_1231delinsCAGGA in individuals affected with Propionic Acidemia and no experimental evidence demonstrating its impact on protein function have been reported. No clinical diagnostic laboratories have submitted clinical-significance assessments for this variant to ClinVar after 2014. Based on the evidence outlined above, the variant was classified as likely pathogenic.